The following is an entry in ClinVar:

NM_001377.3(DYNC2H1):c.6139+2T>C

Gene: DYNC2H1 (dynein cytoplasmic 2 heavy chain 1; plus strand). Cytogenetic location: 11q22.3.
Variant type: single nucleotide variant.
Coding change: c.6139+2T>C on transcript NM_001377.3 (MANE Select); the canonical splice donor site of the intron after coding-DNA position 6139, T replaced by C.
Molecular consequence: splice donor variant.
Genome position (GRCh38, 1-based): chr11:103,177,822, T>C. VCF-style: chr11-103177822-T-C. GRCh37 (hg19) VCF-style: chr11-103048551-T-C.
Other names: c.6139+2T>C (NM_001080463.2).
Identifiers: ClinVar variation 2636777 (VCV002636777.6), dbSNP rs369196511, ClinGen allele CA6253899.

ClinVar aggregate classification (germline): Likely pathogenic. Review status: criteria provided, multiple submitters, no conflicts (2 of 4 stars). 3 submissions from 3 submitters: Likely pathogenic (3). Last evaluated 2024-11-07.

Conditions:
DYNC2H1-related disorder. Also called: DYNC2H1-related disorders; DYNC2H1-related condition. Identifiers: MedGen CN378770.
Jeune thoracic dystrophy. Also called: Jeune syndrome; Infantile thoracic dystrophy; Thoracic pelvic phalangeal dystrophy; Jeune's syndrome; Chondroectodermal dysplasia-like syndrome; Short-rib thoracic dysplasia. Identifiers: Orphanet 474, MedGen C0265275, MONDO:0018770.

Allele frequency attached by ClinVar (database versions not stated): gnomAD 0.00001; gnomAD exomes 0.00004; ExAC 0.00006; ESP Exome Variant Server 0.00008.
gnomAD v4.1: 51 of 1,607,998 alleles (0.0032%); highest among the groups gnomAD compares: Non-Finnish European, 0.0042%; no homozygotes.

Submissions (3):

Blueprint Genetics
Classification: Likely pathogenic for DYNC2H1-related disorders. Last evaluated: 2024-11-07. Review status: criteria provided, single submitter. Criteria: ACMG Guidelines, 2015. Collection method: clinical testing. Allele origin: germline. Affected: yes. Observed: 3 variant alleles.

Labcorp Genetics (formerly Invitae), Labcorp
Classification: Likely pathogenic for Jeune thoracic dystrophy. Last evaluated: 2024-01-10. Review status: criteria provided, single submitter. Criteria: Invitae Variant Classification Sherloc (09022015). Collection method: clinical testing. Allele origin: germline.
Comment: This sequence change affects a donor splice site in intron 38 of the DYNC2H1 gene. It is expected to disrupt RNA splicing. Variants that disrupt the donor or acceptor splice site typically lead to a loss of protein function (PMID: 16199547), and loss-of-function variants in DYNC2H1 are known to be pathogenic (PMID: 23339108, 32753734, 33755199). This variant is present in population databases (rs369196511, gnomAD 0.008%). This variant has not been reported in the literature in individuals affected with DYNC2H1-related conditions. ClinVar contains an entry for this variant (Variation ID: 2636777). Algorithms developed to predict the effect of sequence changes on RNA splicing suggest that this variant may disrupt the consensus splice site. In summary, the currently available evidence indicates that the variant is pathogenic, but additional data are needed to prove that conclusively. Therefore, this variant has been classified as Likely Pathogenic.

PreventionGenetics, part of Exact Sciences
Classification: Likely pathogenic for DYNC2H1-related condition. Last evaluated: 2022-12-13. Review status: criteria provided, single submitter. Criteria: ACMG Guidelines, 2015. Collection method: clinical testing. Allele origin: germline.
Comment: The DYNC2H1 c.6139+2T>C variant is predicted to disrupt the GT donor site and interfere with normal splicing. To our knowledge, this variant has not been reported in the literature. This variant is reported in 0.0079% of alleles in individuals of European (Non-Finnish) descent in gnomAD. Variants that disrupt the consensus splice donor site in DYNC2H1 are expected to be pathogenic. This variant is interpreted as likely pathogenic.

Literature cited by the submitters: PubMed 16199547 (cited by Labcorp Genetics (formerly Invitae), Labcorp); PubMed 23339108 (cited by Labcorp Genetics (formerly Invitae), Labcorp); PubMed 32753734 (cited by Labcorp Genetics (formerly Invitae), Labcorp); PubMed 33755199 (cited by Labcorp Genetics (formerly Invitae), Labcorp).